The following is an entry in ClinVar:

ClinVar aggregate classification (germline): Uncertain significance (1 of 4 stars; one submission).

Submission:

Labcorp Genetics (formerly Invitae), Labcorp
Classification: Uncertain significance. Last evaluated: 2024-06-03. Review status: criteria provided, single submitter. Criteria: Invitae Variant Classification Sherloc (09022015). Collection method: clinical testing. Allele origin: germline.
Comment: This sequence change replaces valine, which is neutral and non-polar, with phenylalanine, which is neutral and non-polar, at codon 293 of the FAN1 protein (p.Val293Phe). Information on the frequency of this variant in the gnomAD database is not available, as this variant may be reported differently in the database. This variant has not been reported in the literature in individuals affected with FAN1-related conditions. Experimental studies and prediction algorithms are not available or were not evaluated, and the functional significance of this variant is currently unknown. In summary, the available evidence is currently insufficient to determine the role of this variant in disease. Therefore, it has been classified as a Variant of Uncertain Significance.

NM_014967.5(FAN1):c.876_877delinsCT (p.Val293Phe)

Gene: FAN1 (FANCD2 and FANCI associated nuclease 1; plus strand). Cytogenetic location: 15q13.3.
Variant type: Indel.
Coding change: c.876_877delinsCT on transcript NM_014967.5 (MANE Select); coding-DNA positions 876 to 877, GG replaced by CT.
Protein change: p.Val293Phe; replaces valine 293 with phenylalanine.
Molecular consequence: missense variant.
Genome position (GRCh38, 1-based): chr15:30,905,539-30,905,540, GG replaced by CT. VCF-style: chr15-30905539-GG-CT. GRCh37 (hg19) VCF-style: chr15-31197742-GG-CT.
Other names: c.876_877delinsCT, p.Val293Phe (NM_001146094.2, NM_001146095.1, NM_001146096.2); short protein forms V293F.
Identifiers: ClinVar variation 2849137 (VCV002849137.3), dbSNP rs2542579833, ClinGen allele CA2739279471.